The following is an entry in ClinVar:

ClinVar aggregate classification (germline): Conflicting classifications of pathogenicity. Review status: criteria provided, conflicting classifications (1 of 4 stars). 2 submissions from 2 submitters: Uncertain significance (1); Likely benign (1). Last evaluated 2021-08-13.

Conditions:
Koolen-de Vries syndrome (KDVS). Identifiers: Orphanet 96169, MedGen C1864871, MONDO:0012496, OMIM 610443.

Allele frequency attached by ClinVar (database versions not stated): gnomAD exomes below 0.00001.
gnomAD v4.1: 3 of 1,614,180 alleles (0.00019%); highest among the groups gnomAD compares: Non-Finnish European, 0.00025%; no homozygotes.

Submissions (2):

Labcorp Genetics (formerly Invitae), Labcorp
Classification: Uncertain significance for Koolen-de Vries syndrome. Last evaluated: 2021-08-13. Review status: criteria provided, single submitter. Criteria: Invitae Variant Classification Sherloc (09022015). Collection method: clinical testing. Allele origin: germline.

GeneDx
Classification: Likely benign. Last evaluated: 2017-03-31. Review status: criteria provided, single submitter. Criteria: GeneDx Variant Classification (06012015). Collection method: clinical testing. Allele origin: germline. Affected: yes.
Comment: This variant is considered likely benign or benign based on one or more of the following criteria: it is a conservative change, it occurs at a poorly conserved position in the protein, it is predicted to be benign by multiple in silico algorithms, and/or has population frequency not consistent with disease.

NM_015443.4(KANSL1):c.2503C>T (p.Pro835Ser)

Gene: KANSL1 (KAT8 regulatory NSL complex subunit 1). Cytogenetic location: 17q21.31.
Variant type: single nucleotide variant.
Coding change: c.2503C>T on transcript NM_015443.4 (MANE Select); coding-DNA position 2503, C replaced by T.
Protein change: p.Pro835Ser; replaces proline 835 with serine.
Molecular consequence: missense variant.
Genome position (GRCh38, 1-based): chr17:46,038,576, G>A on the plus strand (C>T on the coding strand, the complement: KANSL1 is on the minus strand). VCF-style: chr17-46038576-G-A. GRCh37 (hg19) VCF-style: chr17-44115942-G-A.
Other names: c.2503C>T, p.Pro835Ser (NM_001193465.2, NM_001193466.2, NM_001379198.1); short protein forms P835S.
Identifiers: ClinVar variation 508468 (VCV000508468.4), dbSNP rs1555733519, ClinGen allele CA399980190.